The following is an entry in ClinVar:

NM_152564.5(VPS13B):c.7896T>A (p.Ser2632Arg)

Gene: VPS13B (vacuolar protein sorting 13 homolog B; plus strand). Cytogenetic location: 8q22.2.
Variant type: single nucleotide variant.
Coding change: c.7896T>A on transcript NM_152564.5 (MANE Select); coding-DNA position 7896, T replaced by A.
Protein change: p.Ser2632Arg; replaces serine 2632 with arginine.
Molecular consequence: missense variant.
Genome position (GRCh38, 1-based): chr8:99,784,431, T>A. VCF-style: chr8-99784431-T-A. GRCh37 (hg19) VCF-style: chr8-100796659-T-A.
Other names: c.7971T>A, p.Ser2657Arg (NM_017890.5); short protein forms S2632R, S2657R.
Identifiers: ClinVar variation 589642 (VCV000589642.5), dbSNP rs1563916146, ClinGen allele CA371766657.

ClinVar aggregate classification (germline): Uncertain significance (1 of 4 stars; one submission).

Conditions:
Inborn genetic diseases. Identifiers: MedGen C0950123, MeSH D030342.

Submission:

Ambry Genetics
Classification: Uncertain significance for Inborn genetic diseases. Last evaluated: 2017-04-27. Review status: criteria provided, single submitter. Criteria: Ambry Variant Classification Scheme 2023. Collection method: clinical testing. Allele origin: germline.
Comment: The p.S2657R variant (also known as c.7971T>A), located in coding exon 42 of the VPS13B gene, results from a T to A substitution at nucleotide position 7971. The serine at codon 2657 is replaced by arginine, an amino acid with dissimilar properties. This amino acid position is not well conserved in available vertebrate species. In addition, the in silico prediction for this alteration is inconclusive. Since supporting evidence is limited at this time, the clinical significance of this alteration remains unclear.